The following is an entry in ClinVar:

NM_001101677.2(SOHLH1):c.529C>A (p.Pro177Thr)

Gene: SOHLH1 (spermatogenesis and oogenesis specific basic helix-loop-helix 1; minus strand). Cytogenetic location: 9q34.3.
Variant type: single nucleotide variant.
Coding change: c.529C>A on transcript NM_001101677.2 (MANE Select); coding-DNA position 529, C replaced by A.
Protein change: p.Pro177Thr; replaces proline 177 with threonine.
Molecular consequence: missense variant.
Genome position (GRCh38, 1-based): chr9:135,696,744, G>T on the plus strand (C>A on the coding strand, the complement: SOHLH1 is on the minus strand). VCF-style: chr9-135696744-G-T. GRCh37 (hg19) VCF-style: chr9-138588590-G-T.
Other names: c.529C>A (NM_001101677.1); c.529C>A, p.Pro177Thr (NM_001012415.3); short protein forms P177T.
Identifiers: ClinVar variation 3892524 (VCV003892524.2).

ClinVar aggregate classification (germline): Likely benign. Review status: criteria provided, multiple submitters, no conflicts (2 of 4 stars). 2 submissions from 2 submitters: Likely benign (2). Last evaluated 2024-12-22.

Conditions:
Spermatogenic failure 32. Identifiers: MedGen C4748253, MONDO:0020855, OMIM 618115.
Ovarian dysgenesis 5. Identifiers: MedGen C4540141, MONDO:0054666, OMIM 617690.
SOHLH1-related disorder. Also called: SOHLH1-related condition.

Submissions (2):

PreventionGenetics, part of Exact Sciences
Classification: Likely benign for SOHLH1-related condition. Last evaluated: 2024-12-22. Review status: criteria provided, single submitter. Criteria: ACMG Guidelines, 2015. Collection method: clinical testing. Allele origin: germline.
Comment: This variant is classified as likely benign based on ACMG/AMP sequence variant interpretation guidelines (Richards et al. 2015 PMID: 25741868, with internal and published modifications).

Department of Pathology and Laboratory Medicine, Sinai Health System
Classification: Likely benign for Ovarian dysgenesis 5; Spermatogenic failure 32. Last evaluated: 2022-07-20. Review status: criteria provided, single submitter. Criteria: ACMG Guidelines, 2015. Collection method: research. Allele origin: germline.